The following is an entry in ClinVar:

ClinVar aggregate classification (germline): Benign/Likely benign. Review status: criteria provided, multiple submitters, no conflicts (2 of 4 stars). 6 submissions from 6 submitters: Benign (1); Likely benign (4). 1 of the submissions does not count toward it. Last evaluated 2026-01-28.

Conditions:
Bardet-Biedl syndrome (BBS). Identifiers: Orphanet 110, MedGen C0752166, MONDO:0015229.
BBS12-related disorder. Also called: BBS12-related condition.

Allele frequency attached by ClinVar (database versions not stated): gnomAD exomes 0.00021 and 0.00053; ExAC 0.00067; TOPMed 0.00244; gnomAD 0.00245 and 0.00258; 1000 Genomes Project 0.00260; 1000 Genomes Project 30x 0.00265; ESP Exome Variant Server 0.00300.
gnomAD v4.1: 686 of 1,614,188 alleles (0.042%); highest among the groups gnomAD compares: African/African-American, 0.84%; 4 homozygotes.

Submissions (6):

Labcorp Genetics (formerly Invitae), Labcorp
Classification: Benign for Bardet-Biedl syndrome. Last evaluated: 2026-01-28. Review status: criteria provided, single submitter. Criteria: Invitae Variant Classification Sherloc (09022015). Collection method: clinical testing. Allele origin: germline.

Mayo Clinic Laboratories, Mayo Clinic
Classification: Likely benign. Last evaluated: 2025-10-15. Review status: criteria provided, single submitter. Criteria: ACMG Guidelines, 2015. Collection method: clinical testing. Allele origin: germline. Observed: 1 variant allele.
Comment: BS1, BP4, BP7

Blueprint Genetics
Classification: Likely benign. Last evaluated: 2024-10-24. Review status: criteria provided, single submitter. Criteria: ACMG Guidelines, 2015. Collection method: clinical testing. Allele origin: germline.

Genetic Services Laboratory, University of Chicago
Classification: Likely benign. Last evaluated: 2021-07-23. Review status: criteria provided, single submitter. Criteria: ACMG Guidelines, 2015. Collection method: clinical testing. Allele origin: germline. Affected: no.

Breakthrough Genomics
Classification: Likely benign. Review status: criteria provided, single submitter. Criteria: ACMG Guidelines, 2015. Collection method: not provided. Allele origin: germline. Inheritance: Autosomal recessive inheritance. Affected: yes.

PreventionGenetics, part of Exact Sciences
Classification: Benign for BBS12-related condition. Last evaluated: 2020-11-17. Review status: no assertion criteria provided. Collection method: clinical testing. Allele origin: germline. Not counted in ClinVar's aggregate classification.
Comment: This variant is classified as benign based on ACMG/AMP sequence variant interpretation guidelines (Richards et al. 2015 PMID: 25741868, with internal and published modifications).

NM_152618.3(BBS12):c.1287T>C (p.Ser429=)

Gene: BBS12 (Bardet-Biedl syndrome 12; plus strand). Cytogenetic location: 4q27.
Variant type: single nucleotide variant.
Coding change: c.1287T>C on transcript NM_152618.3 (MANE Select); coding-DNA position 1287, T replaced by C.
Protein change: p.Ser429=; no amino-acid change (serine 429 retained).
Molecular consequence: synonymous variant.
Genome position (GRCh38, 1-based): chr4:122,743,179, T>C. VCF-style: chr4-122743179-T-C. GRCh37 (hg19) VCF-style: chr4-123664334-T-C.
Other names: p.Ser429=; c.1287T>C, p.Ser429= (NM_001178007.2).
Identifiers: ClinVar variation 262671 (VCV000262671.20), dbSNP rs17006094, ClinGen allele CA3069415.
Genomic context (GRCh38, chr4:122,743,179, plus strand): 5'-GAACCTTGTCCTGGTACAAGGAAATGTGTCCGAACGCTTAATTGAAAAATGTATAAACAG[T>C]AAGCGGTTGGTAATCGGCTCAGTGAATGGCAGTGTGATGCAGGCTTTTGCAGAGGCTGCA-3'
Protein context (NP_689831.2, residues 419-439): SERLIEKCIN[Ser429=]KRLVIGSVNG